The following is an entry in ClinVar:

ClinVar aggregate classification (germline): Uncertain significance (1 of 4 stars; one submission).

Submission:

Labcorp Genetics (formerly Invitae), Labcorp
Classification: Uncertain significance. Last evaluated: 2022-11-08. Review status: criteria provided, single submitter. Criteria: Invitae Variant Classification Sherloc (09022015). Collection method: clinical testing. Allele origin: germline.
Comment: In summary, the available evidence is currently insufficient to determine the role of this variant in disease. Therefore, it has been classified as a Variant of Uncertain Significance. Advanced modeling of protein sequence and biophysical properties (such as structural, functional, and spatial information, amino acid conservation, physicochemical variation, residue mobility, and thermodynamic stability) performed at Invitae indicates that this missense variant is not expected to disrupt COL4A1 protein function. This variant has not been reported in the literature in individuals affected with COL4A1-related conditions. This variant is not present in population databases (gnomAD no frequency). This sequence change replaces phenylalanine, which is neutral and non-polar, with serine, which is neutral and polar, at codon 254 of the COL4A1 protein (p.Phe254Ser).

NM_001845.6(COL4A1):c.761T>C (p.Phe254Ser)

Gene: COL4A1 (collagen type IV alpha 1 chain; minus strand). Cytogenetic location: 13q34.
Variant type: single nucleotide variant.
Coding change: c.761T>C on transcript NM_001845.6 (MANE Select); coding-DNA position 761, T replaced by C.
Protein change: p.Phe254Ser; replaces phenylalanine 254 with serine.
Molecular consequence: missense variant.
Genome position (GRCh38, 1-based): chr13:110,207,422, A>G on the plus strand (T>C on the coding strand, the complement: COL4A1 is on the minus strand). VCF-style: chr13-110207422-A-G. GRCh37 (hg19) VCF-style: chr13-110859769-A-G.
Other names: c.761T>C, p.Phe254Ser (NM_001303110.2); short protein forms F254S.
Identifiers: ClinVar variation 2186166 (VCV002186166.4), dbSNP rs2501586896, ClinGen allele CA388725069.
Genomic context (GRCh38, chr13:110,207,422, plus strand): 5'-AAATTAGAAAATCAGTATTCACTGATGAAGCCCACTCATACCTTTTCTCCCTTGGTGGCG[A>G]AGTCTCCTTTTTCTTGAACTTGAGCTTGTCCTGGTACTCCTGGAGGCCCACTGACCCCTT-3'
Protein context (NP_001836.3, residues 244-264): GQAQVQEKGD[Phe254Ser]ATKGEKGQKG